The following is an entry in ClinVar:

NM_006147.4(IRF6):c.758A>T (p.Tyr253Phe)

Gene: IRF6 (interferon regulatory factor 6; minus strand). Cytogenetic location: 1q32.2.
Variant type: single nucleotide variant.
Coding change: c.758A>T on transcript NM_006147.4 (MANE Select); coding-DNA position 758, A replaced by T.
Protein change: p.Tyr253Phe; replaces tyrosine 253 with phenylalanine.
Molecular consequence: missense variant.
Genome position (GRCh38, 1-based): chr1:209,790,797, T>A on the plus strand (A>T on the coding strand, the complement: IRF6 is on the minus strand). VCF-style: chr1-209790797-T-A. GRCh37 (hg19) VCF-style: chr1-209964142-T-A.
Other names: c.473A>T, p.Tyr158Phe (NM_001206696.2); short protein forms Y158F, Y253F.
Identifiers: ClinVar variation 4796578 (VCV004796578.1).

ClinVar aggregate classification (germline): Uncertain significance (1 of 4 stars; one submission).

Conditions:
Van der Woude syndrome 1. Also called: van der Woude Syndrome (VWS); CLEFT LIP AND/OR PALATE WITH MUCOUS CYSTS OF LOWER LIP. Identifiers: MedGen C4551864, MONDO:0007333, OMIM 119300.
Autosomal dominant popliteal pterygium syndrome. Also called: Popliteal Pterygium Syndrome (PPS); FACIOGENITOPOPLITEAL SYNDROME; CLEFT LIP/PALATE, PARAMEDIAN MUCOUS CYSTS OF THE LOWER LIP, POPLITEAL PTERYGIUM, DIGITAL AND GENITAL ANOMALIES. Identifiers: Orphanet 1300, MedGen C5848052, MONDO:0007334, OMIM 119500.
Orofacial cleft 6, susceptibility to (OFC6). Also called: CLEFT LIP WITH OR WITHOUT CLEFT PALATE, NONSYNDROMIC, 6. Identifiers: MedGen C1837213, MONDO:0012141, OMIM 608864.

gnomAD v4.1: 1 of 1,614,126 alleles (0.000062%); no homozygotes.

Submission:

Juno Genomics, Hangzhou Juno Genomics, Inc
Classification: Uncertain significance for Van der Woude syndrome 1; Orofacial cleft 6, susceptibility to; Autosomal dominant popliteal pterygium syndrome. Review status: criteria provided, single submitter. Criteria: ACMG Guidelines, 2015. Collection method: clinical testing. Allele origin: germline. Affected: yes.
Comment: Absent from controls (or at extremely low frequency if recessive) in Genome Aggregation Database, Exome Sequencing Project, 1000 Genomes Project, or Exome Aggregation Consortium.;Multiple lines of computational evidence support a deleterious effect on the gene or gene product (conservation, evolutionary, splicing impact, etc).;Missense variant in a gene that has a low rate of benign missense variation and where missense variants are a common mechanism of disease.;Patient's phenotype or family history is highly specific for a disease with a single genetic etiology.